The following is an entry in ClinVar:

ClinVar aggregate classification (germline): Uncertain significance (1 of 4 stars; one submission).

Conditions:
Neurodevelopmental disorder with dysmorphic facies and distal skeletal anomalies. Identifiers: MedGen C5231448, MONDO:0032855, OMIM 618659.

Allele frequency attached by ClinVar (database versions not stated): TOPMed 0.00002; gnomAD exomes 0.00001; ExAC 0.00001.
gnomAD v4.1: 5 of 1,614,092 alleles (0.00031%); highest among the groups gnomAD compares: South Asian, 0.0011%; no homozygotes.

Submission:

Victorian Clinical Genetics Services, Murdoch Childrens Research Institute
Classification: Uncertain significance for Neurodevelopmental disorder with dysmorphic facies and distal skeletal anomalies. Last evaluated: 2026-05-07. Review status: criteria provided, single submitter. Criteria: ACMG Guidelines, 2015. Collection method: clinical testing. Allele origin: germline. Affected: yes.
Comment: This variant is classified as VUS-3A. Evidence in support of pathogenic classification: Variant is present in gnomAD (v4) <0.001 for a dominant condition (5 heterozygote(s), 0 homozygote(s)). - Missense variant consistently predicted to be damaging by multiple in silico tools or highly conserved with a major amino acid change; Additional information: Variant is predicted to result in a missense amino acid change from Gly to Arg; This variant is heterozygous; This gene is associated with autosomal dominant disease; This variant has no previous evidence of pathogenicity; No published segregation evidence has been identified for this variant; No published functional evidence has been identified for this variant; No comparable missense variants have previous evidence for pathogenicity; Variant is located in the annotated tetratricopeptide repeat domain (PMID: 30639322); Loss of function is a known mechanism of disease in this gene and is associated with neurodevelopmental disorder with dysmorphic facies and distal skeletal anomalies (MIM#618659); Variants in this gene are known to have variable expressivity (OMIM).

Literature cited by the submitters: PubMed 30639322.

NM_020338.4(ZMIZ1):c.118G>A (p.Gly40Arg)

Gene: ZMIZ1 (zinc finger MIZ-type containing 1; plus strand). Cytogenetic location: 10q22.3.
Variant type: single nucleotide variant.
Coding change: c.118G>A on transcript NM_020338.4 (MANE Select); coding-DNA position 118, G replaced by A.
Protein change: p.Gly40Arg; replaces glycine 40 with arginine.
Molecular consequence: missense variant.
Genome position (GRCh38, 1-based): chr10:79,208,393, G>A. VCF-style: chr10-79208393-G-A. GRCh37 (hg19) VCF-style: chr10-80968150-G-A.
Other names: short protein forms G40R.
Identifiers: ClinVar variation 1699342 (VCV001699342.4), dbSNP rs764524923, ClinGen allele CA5572197.